The following is an entry in ClinVar:

ClinVar aggregate classification (germline): Pathogenic (1 of 4 stars; one submission).

Submission:

CeGaT Center for Human Genetics Tuebingen
Classification: Pathogenic. Last evaluated: 2025-06-01. Review status: criteria provided, single submitter. Criteria: CeGaT Center For Human Genetics Tuebingen Variant Classification Criteria Version 2. Collection method: clinical testing. Allele origin: germline. Affected: yes. Observed: 1 variant allele.
Comment: SYNE1: PVS1, PM2

NM_182961.4(SYNE1):c.19197del (p.Glu6399fs)

Gene: SYNE1 (spectrin repeat containing nuclear envelope protein 1; minus strand). Cytogenetic location: 6q25.2.
Variant type: Deletion.
Coding change: c.19197del on transcript NM_182961.4 (MANE Select); coding-DNA position 19197, one base deleted (A; older notation c.19197delA).
Protein change: p.Glu6399fs; shifts the reading frame from glutamic acid 6399.
Molecular consequence: frameshift variant.
Genome position (GRCh38, 1-based): chr6:152,255,654, T deleted on the plus strand (A on the coding strand, the reverse complement: SYNE1 is on the minus strand); the first of 2 consecutive T bases (chr6:152,255,654-152,255,655); deleting either gives the same sequence. VCF-style (leftmost placement, unchanged base first): chr6-152255653-GT-G. GRCh37 (hg19) VCF-style: chr6-152576788-GT-G.
Other names: c.18984del, p.Glu6328fs (NM_033071.5); short protein forms E6328fs, E6399fs.
Identifiers: ClinVar variation 3906011 (VCV003906011.10).
Genomic context (GRCh38, chr6:152,255,653, plus strand): 5'-CTTGGTTGAAGAGACAAGTCTCTGTTTCTTCTGGTAAAAGTGCTGTGGCAACAAATAAAC[GT>G]TCTTCAACGTCATCCAACCAAGTAGAGGTGGCTGAGACTCCATCATACAACTTCTGCTCC-3'